The following is an entry in ClinVar:

ClinVar aggregate classification (germline): Uncertain significance. Review status: criteria provided, multiple submitters, no conflicts (2 of 4 stars). 2 submissions from 2 submitters: Uncertain significance (2). Last evaluated 2024-06-10.

Conditions:
Chromosome 2q32-q33 deletion syndrome (GLASS). Also called: Glass syndrome; 2q33.1 deletion syndrome. Identifiers: Orphanet 251019, MedGen C2676739, MONDO:0012864, OMIM 612313.

Allele frequency attached by ClinVar (database versions not stated): TOPMed below 0.00001.

Submissions (2):

GeneDx
Classification: Uncertain significance. Last evaluated: 2024-06-10. Review status: criteria provided, single submitter. Criteria: GeneDx Variant Classification Process June 2021. Collection method: clinical testing. Allele origin: germline. Affected: yes.
Comment: Not observed at significant frequency in large population cohorts (gnomAD); In silico analysis indicates that this missense variant does not alter protein structure/function; Has not been previously published as pathogenic or benign to our knowledge

Labcorp Genetics (formerly Invitae), Labcorp
Classification: Uncertain significance for Chromosome 2q32-q33 deletion syndrome. Last evaluated: 2022-07-12. Review status: criteria provided, single submitter. Criteria: Invitae Variant Classification Sherloc (09022015). Collection method: clinical testing. Allele origin: germline.
Comment: In summary, the available evidence is currently insufficient to determine the role of this variant in disease. Therefore, it has been classified as a Variant of Uncertain Significance. Advanced modeling of protein sequence and biophysical properties (such as structural, functional, and spatial information, amino acid conservation, physicochemical variation, residue mobility, and thermodynamic stability) performed at Invitae indicates that this missense variant is expected to disrupt SATB2 protein function. This variant has not been reported in the literature in individuals affected with SATB2-related conditions. This variant is not present in population databases (gnomAD no frequency). This sequence change replaces lysine, which is basic and polar, with arginine, which is basic and polar, at codon 373 of the SATB2 protein (p.Lys373Arg).

NM_001172509.2(SATB2):c.1118A>G (p.Lys373Arg)

Gene: SATB2 (SATB homeobox 2; minus strand). Cytogenetic location: 2q33.1.
Variant type: single nucleotide variant.
Coding change: c.1118A>G on transcript NM_001172509.2 (MANE Select); coding-DNA position 1118, A replaced by G.
Protein change: p.Lys373Arg; replaces lysine 373 with arginine.
Molecular consequence: missense variant.
Genome position (GRCh38, 1-based): chr2:199,348,756, T>C on the plus strand (A>G on the coding strand, the complement: SATB2 is on the minus strand). VCF-style: chr2-199348756-T-C. GRCh37 (hg19) VCF-style: chr2-200213479-T-C.
Other names: c.1118A>G, p.Lys373Arg (NM_001172517.1, NM_015265.4); c.1118A>G (NM_015265.3); short protein forms K373R.
Identifiers: ClinVar variation 2089311 (VCV002089311.5), dbSNP rs1688727166, ClinGen allele CA350387171.